The following is an entry in ClinVar:

ClinVar aggregate classification (germline): Uncertain significance. Review status: criteria provided, multiple submitters, no conflicts (2 of 4 stars). 2 submissions from 2 submitters: Uncertain significance (2). Last evaluated 2025-12-11.

Conditions:
Cardiovascular phenotype. Identifiers: MedGen CN230736.
Duchenne muscular dystrophy (DMD). Also called: MUSCULAR DYSTROPHY, PSEUDOHYPERTROPHIC PROGRESSIVE, DUCHENNE TYPE; Duchenne Muscular Dystrophy (DMD). Identifiers: Orphanet 98896, MedGen C0013264, MONDO:0010679, OMIM 310200.

Allele frequency attached by ClinVar (database versions not stated): gnomAD exomes below 0.00001.
gnomAD v4.1: 1 of 1,211,329 alleles (0.000083%); highest among the groups gnomAD compares: Admixed American, 0.0022%; no homozygotes.

Submissions (2):

Ambry Genetics
Classification: Uncertain significance for Cardiovascular phenotype. Last evaluated: 2025-12-11. Review status: criteria provided, single submitter. Criteria: Ambry Variant Classification Scheme 2023. Collection method: clinical testing. Allele origin: germline.
Comment: The p.T1490S variant (also known as c.4468A>T), located in coding exon 32 of the DMD gene, results from an A to T substitution at nucleotide position 4468. The threonine at codon 1490 is replaced by serine, an amino acid with similar properties. This amino acid position is conserved. In addition, this alteration is predicted to be tolerated by in silico analysis. Based on the available evidence, the clinical significance of this variant remains unclear.

Labcorp Genetics (formerly Invitae), Labcorp
Classification: Uncertain significance for Duchenne muscular dystrophy. Last evaluated: 2024-03-04. Review status: criteria provided, single submitter. Criteria: Invitae Variant Classification Sherloc (09022015). Collection method: clinical testing. Allele origin: germline.
Comment: This sequence change replaces threonine, which is neutral and polar, with serine, which is neutral and polar, at codon 1490 of the DMD protein (p.Thr1490Ser). This variant is not present in population databases (gnomAD no frequency). This variant has not been reported in the literature in individuals affected with DMD-related conditions. ClinVar contains an entry for this variant (Variation ID: 1990091). Advanced modeling of protein sequence and biophysical properties (such as structural, functional, and spatial information, amino acid conservation, physicochemical variation, residue mobility, and thermodynamic stability) performed at Invitae indicates that this missense variant is not expected to disrupt DMD protein function with a negative predictive value of 95%. In summary, the available evidence is currently insufficient to determine the role of this variant in disease. Therefore, it has been classified as a Variant of Uncertain Significance.

NM_004006.3(DMD):c.4468A>T (p.Thr1490Ser)

Gene: DMD (dystrophin; minus strand). Cytogenetic location: Xp21.1.
Variant type: single nucleotide variant.
Coding change: c.4468A>T on transcript NM_004006.3 (MANE Select); coding-DNA position 4468, A replaced by T.
Protein change: p.Thr1490Ser; replaces threonine 1490 with serine.
Molecular consequence: missense variant.
Genome position (GRCh38, 1-based): chrX:32,389,551, T>A on the plus strand (A>T on the coding strand, the complement: DMD is on the minus strand). VCF-style: chrX-32389551-T-A. GRCh37 (hg19) VCF-style: chrX-32407668-T-A.
Other names: c.4444A>T, p.Thr1482Ser (NM_000109.4); c.4456A>T, p.Thr1486Ser (NM_004009.3); c.4099A>T, p.Thr1367Ser (NM_004010.3); c.445A>T, p.Thr149Ser (NM_004011.4); c.436A>T, p.Thr146Ser (NM_004012.4); short protein forms T1486S, T1490S, T146S, T149S, T1367S, T1482S.
Identifiers: ClinVar variation 1990091 (VCV001990091.4), dbSNP rs2147611427, ClinGen allele CA412663102.